The following is an entry in ClinVar:

ClinVar aggregate classification (germline): Uncertain significance. Review status: criteria provided, multiple submitters, no conflicts (2 of 4 stars). 2 submissions from 2 submitters: Uncertain significance (2). Last evaluated 2022-07-11.

Submissions (2):

Blueprint Genetics
Classification: Uncertain significance. Last evaluated: 2022-07-11. Review status: criteria provided, single submitter. Criteria: ACMG Guidelines, 2015. Collection method: clinical testing. Allele origin: germline.

Labcorp Genetics (formerly Invitae), Labcorp
Classification: Uncertain significance. Last evaluated: 2020-12-12. Review status: criteria provided, single submitter. Criteria: Invitae Variant Classification Sherloc (09022015). Collection method: clinical testing. Allele origin: germline.
Comment: Experimental studies and prediction algorithms are not available or were not evaluated, and the functional significance of this variant is currently unknown. This variant has not been reported in the literature in individuals with SLC24A1-related conditions. The frequency data for this variant in the population databases is considered unreliable, as metrics indicate poor data quality at this position in the ExAC database. This variant, c.2628_2645del, results in the deletion of 6 amino acid(s) of the SLC24A1 protein (p.Gln878_Glu883del), but otherwise preserves the integrity of the reading frame. In summary, the available evidence is currently insufficient to determine the role of this variant in disease. Therefore, it has been classified as a Variant of Uncertain Significance.

NM_004727.3(SLC24A1):c.2628_2645del (p.Gln878_Glu883del)

Gene: SLC24A1 (solute carrier family 24 member 1; plus strand). Cytogenetic location: 15q22.31.
Variant type: Deletion.
Coding change: c.2628_2645del on transcript NM_004727.3 (MANE Select); coding-DNA positions 2628 to 2645, 18 bases deleted (AGAGCAGGAGGAAGAGGA).
Protein change: p.Gln878_Glu883del.
Molecular consequence: inframe deletion.
Genome position (GRCh38, 1-based): chr15:65,650,777-65,650,794, AGAGCAGGAGGAAGAGGA deleted; deleting any 18 consecutive bases within chr15:65,650,772-65,650,794 gives the same sequence; the c. name uses the placement nearest the transcript's 3' end. VCF-style (leftmost placement, unchanged base first): chr15-65650771-GGAGGAAGAGCAGGAGGAA-G. GRCh37 (hg19) VCF-style: chr15-65943109-GGAGGAAGAGCAGGAGGAA-G.
Other names: c.609_626del, p.Gln205_Glu210del (NM_001254740.2); c.2628_2645del, p.Gln878_Glu883del (NM_001301031.1); c.2574_2591del, p.Gln860_Glu865del (NM_001301032.1, NM_001301033.2).
Identifiers: ClinVar variation 1355966 (VCV001355966.9), dbSNP rs775623550, ClinGen allele CA7620163.